The following is an entry in ClinVar:

ClinVar aggregate classification (germline): Uncertain significance. Review status: criteria provided, multiple submitters, no conflicts (2 of 4 stars). 5 submissions from 5 submitters: Uncertain significance (4). 1 of the submissions does not count toward it. Last evaluated 2024-10-21.

Conditions:
Inborn genetic diseases. Identifiers: MedGen C0950123, MeSH D030342.
Achromatopsia. Also called: Rod monochromatism. Identifiers: Orphanet 49382, MedGen C0152200, MONDO:0018852, HP:0011516.
Achromatopsia 3 (ACHM3). Also called: PINGELAPESE BLINDNESS; ACHROMATOPSIA WITH MYOPIA; TOTAL COLORBLINDNESS WITH MYOPIA; ROD MONOCHROMACY 1; ROD MONOCHROMATISM 1. Identifiers: Orphanet 49382, MedGen C1849792, MONDO:0009875, OMIM 262300.

Allele frequency attached by ClinVar (database versions not stated): gnomAD exomes 0.00001 and 0.00002; ExAC 0.00002; gnomAD 0.00003 and 0.00004; TOPMed 0.00006; ESP Exome Variant Server 0.00015.
gnomAD v4.1: 28 of 1,612,932 alleles (0.0017%); highest among the groups gnomAD compares: East Asian, 0.02%; no homozygotes.

Submissions (5):

Labcorp Genetics (formerly Invitae), Labcorp
Classification: Uncertain significance. Last evaluated: 2024-10-21. Review status: criteria provided, single submitter. Criteria: Invitae Variant Classification Sherloc (09022015). Collection method: clinical testing. Allele origin: germline.
Comment: This sequence change replaces histidine, which is basic and polar, with tyrosine, which is neutral and polar, at codon 566 of the CNGB3 protein (p.His566Tyr). This variant is present in population databases (rs144605411, gnomAD 0.02%). This variant has not been reported in the literature in individuals affected with CNGB3-related conditions. ClinVar contains an entry for this variant (Variation ID: 969924). Invitae Evidence Modeling of protein sequence and biophysical properties (such as structural, functional, and spatial information, amino acid conservation, physicochemical variation, residue mobility, and thermodynamic stability) indicates that this missense variant is not expected to disrupt CNGB3 protein function with a negative predictive value of 95%. In summary, the available evidence is currently insufficient to determine the role of this variant in disease. Therefore, it has been classified as a Variant of Uncertain Significance.

Ambry Genetics
Classification: Uncertain significance for Inborn genetic diseases. Last evaluated: 2024-02-28. Review status: criteria provided, single submitter. Criteria: Ambry Variant Classification Scheme 2023. Collection method: clinical testing. Allele origin: germline.

Fulgent Genetics
Classification: Uncertain significance for Achromatopsia 3. Last evaluated: 2022-02-28. Review status: criteria provided, single submitter. Criteria: ACMG Guidelines, 2015. Collection method: clinical testing. Allele origin: unknown.

Blueprint Genetics
Classification: Uncertain significance. Last evaluated: 2022-02-02. Review status: criteria provided, single submitter. Criteria: ACMG Guidelines, 2015. Collection method: clinical testing. Allele origin: germline.

Natera, Inc.
Classification: Uncertain significance for Achromatopsia. Last evaluated: 2020-04-14. Review status: no assertion criteria provided. Collection method: clinical testing. Allele origin: germline. Not counted in ClinVar's aggregate classification.

NM_019098.5(CNGB3):c.1696C>T (p.His566Tyr)

Gene: CNGB3 (cyclic nucleotide gated channel subunit beta 3; minus strand). Cytogenetic location: 8q21.3.
Variant type: single nucleotide variant.
Coding change: c.1696C>T on transcript NM_019098.5 (MANE Select); coding-DNA position 1696, C replaced by T.
Protein change: p.His566Tyr; replaces histidine 566 with tyrosine.
Molecular consequence: missense variant.
Genome position (GRCh38, 1-based): chr8:86,604,178, G>A on the plus strand (C>T on the coding strand, the complement: CNGB3 is on the minus strand). VCF-style: chr8-86604178-G-A. GRCh37 (hg19) VCF-style: chr8-87616406-G-A.
Other names: short protein forms H566Y.
Identifiers: ClinVar variation 969924 (VCV000969924.8), dbSNP rs144605411, ClinGen allele CA4799923.
Genomic context (GRCh38, chr8:86,604,178, plus strand): 5'-CTTTCAGAGTAACCAGAACTTTAGTACCATCAGGGCCTCCAAGAACTTGGACTTCTCCAT[G>A]CTTGATGATATACATTTCCTTGCCAATTTCTCCCTACATTTTAAATATAAAGAGGAAATG-3'
Protein context (NP_061971.3, residues 556-576): EIGKEMYIIK[His566Tyr]GEVQVLGGPD